The following is an entry in ClinVar:

ClinVar aggregate classification (germline): Uncertain significance (0 of 4 stars; one submission).

Conditions:
PLXNA4-related disorder. Also called: PLXNA4-related condition.

gnomAD v4.1: 14 of 1,613,944 alleles (0.00087%); highest among the groups gnomAD compares: Non-Finnish European, 0.00059%; no homozygotes.

Submission:

PreventionGenetics, part of Exact Sciences
Classification: Uncertain significance for PLXNA4-related condition. Last evaluated: 2024-02-27. Review status: no assertion criteria provided. Collection method: clinical testing. Allele origin: germline.
Comment: The PLXNA4 c.3113A>T variant is predicted to result in the amino acid substitution p.Glu1038Val. To our knowledge, this variant has not been reported in the literature. This variant is reported in 0.0040% of alleles in individuals of European (Finnish) descent in gnomAD. At this time, the clinical significance of this variant is uncertain due to the absence of conclusive functional and genetic evidence.

NM_020911.2(PLXNA4):c.3113A>T (p.Glu1038Val)

Gene: PLXNA4 (plexin A4; minus strand). Cytogenetic location: 7q32.3.
Variant type: single nucleotide variant.
Coding change: c.3113A>T on transcript NM_020911.2 (MANE Select); coding-DNA position 3113, A replaced by T.
Protein change: p.Glu1038Val; replaces glutamic acid 1038 with valine.
Molecular consequence: missense variant.
Genome position (GRCh38, 1-based): chr7:132,185,344, T>A on the plus strand (A>T on the coding strand, the complement: PLXNA4 is on the minus strand). VCF-style: chr7-132185344-T-A. GRCh37 (hg19) VCF-style: chr7-131870103-T-A.
Other names: c.3113A>T, p.Glu1038Val (NM_001393897.1); short protein forms E1038V.
Identifiers: ClinVar variation 3353354 (VCV003353354.1).
Genomic context (GRCh38, chr7:132,185,344, plus strand): 5'-TGGGCCAGCTCCTACCTGACAATGCTCCATTCTGGCTCAATCCGCACGATGGTGGGGTCT[T>A]CCACATACTGAAAGACCAGGTCCTGGTGGATCTTGGCCCTGTCCACCTGCACCGACACCT-3'
Protein context (NP_065962.1, residues 1028-1048): IHQDLVFQYV[Glu1038Val]DPTIVRIEPE